The following is an entry in ClinVar:

ClinVar aggregate classification (germline): Uncertain significance (1 of 4 stars; one submission).

Conditions:
EGFR-related lung cancer (EGFR). Identifiers: MedGen CN130014.

Submission:

Labcorp Genetics (formerly Invitae), Labcorp
Classification: Uncertain significance for EGFR-related lung cancer. Last evaluated: 2026-01-14. Review status: criteria provided, single submitter. Criteria: Invitae Variant Classification Sherloc (09022015). Collection method: clinical testing. Allele origin: germline.
Comment: This sequence change replaces leucine, which is neutral and non-polar, with serine, which is neutral and polar, at codon 122 of the EGFR protein (p.Leu122Ser). This variant is not present in population databases (gnomAD no frequency). This variant has not been reported in the literature in individuals affected with EGFR-related conditions. Invitae Evidence Modeling of protein sequence and biophysical properties (such as structural, functional, and spatial information, amino acid conservation, physicochemical variation, residue mobility, and thermodynamic stability) indicates that this missense variant is not expected to disrupt EGFR protein function with a negative predictive value of 80%. In summary, the available evidence is currently insufficient to determine the role of this variant in disease. Therefore, it has been classified as a Variant of Uncertain Significance.

NM_005228.5(EGFR):c.365T>C (p.Leu122Ser)

Gene: EGFR (epidermal growth factor receptor; plus strand). Cytogenetic location: 7p11.2.
Variant type: single nucleotide variant.
Coding change: c.365T>C on transcript NM_005228.5 (MANE Select); coding-DNA position 365, T replaced by C.
Protein change: p.Leu122Ser; replaces leucine 122 with serine.
Molecular consequence: missense variant. On other transcripts: intron variant (1).
Genome position (GRCh38, 1-based): chr7:55,143,429, T>C. VCF-style: chr7-55143429-T-C. GRCh37 (hg19) VCF-style: chr7-55211122-T-C.
Other names: c.365T>C, p.Leu122Ser (NM_001346897.2, NM_001346898.2, NM_001346899.2 and 3 more transcripts); c.206T>C, p.Leu69Ser (NM_001346900.2); c.89-12401T>C (NM_001346941.2); short protein forms L122S, L69S.
Identifiers: ClinVar variation 4741162 (VCV004741162.1).